The following is an entry in ClinVar:

ClinVar aggregate classification (germline): Uncertain significance (1 of 4 stars; one submission).

Allele frequency attached by ClinVar (database versions not stated): gnomAD exomes below 0.00001.
gnomAD v4.1: 1 of 1,614,006 alleles (0.000062%); highest among the groups gnomAD compares: Non-Finnish European, 0.000085%; no homozygotes.

Submission:

GeneDx
Classification: Uncertain significance. Last evaluated: 2019-04-11. Review status: criteria provided, single submitter. Criteria: GeneDx Variant Classification Process June 2021. Collection method: clinical testing. Allele origin: germline. Affected: yes.
Comment: Not observed in large population cohorts (Lek et al., 2016); In silico analysis, which includes protein predictors and evolutionary conservation, supports that this variant does not alter protein structure/function; Has not been previously published as pathogenic or benign to our knowledge

NM_182641.4(BPTF):c.3367G>A (p.Glu1123Lys)

Gene: BPTF (bromodomain PHD finger transcription factor; plus strand). Cytogenetic location: 17q24.2.
Variant type: single nucleotide variant.
Coding change: c.3367G>A on transcript NM_182641.4 (MANE Select); coding-DNA position 3367, G replaced by A.
Protein change: p.Glu1123Lys; replaces glutamic acid 1123 with lysine.
Molecular consequence: missense variant.
Genome position (GRCh38, 1-based): chr17:67,911,251, G>A. VCF-style: chr17-67911251-G-A. GRCh37 (hg19) VCF-style: chr17-65907367-G-A.
Other names: c.3745G>A, p.Glu1249Lys (NM_004459.7); short protein forms E1123K, E1249K.
Identifiers: ClinVar variation 1305161 (VCV001305161.2), dbSNP rs369302987, ClinGen allele CA400726376.